The following is an entry in ClinVar:

NM_015272.5(RPGRIP1L):c.2149_2152del (p.Ile717fs)

Gene: RPGRIP1L (RPGRIP1 like; minus strand). Cytogenetic location: 16q12.2.
Variant type: Deletion.
Coding change: c.2149_2152del on transcript NM_015272.5 (MANE Select); coding-DNA positions 2149 to 2152, 4 bases deleted (ATTG; older notation c.2149_2152delATTG).
Protein change: p.Ile717fs; shifts the reading frame from isoleucine 717.
Molecular consequence: frameshift variant.
Genome position (GRCh38, 1-based): chr16:53,652,535-53,652,538, CAAT deleted on the plus strand (ATTG on the coding strand, the reverse complement: RPGRIP1L is on the minus strand); deleting any 4 consecutive bases within chr16:53,652,535-53,652,541 gives the same sequence; the c. name uses the placement nearest the transcript's 3' end. VCF-style (leftmost placement, unchanged base first): chr16-53652534-CCAAT-C. GRCh37 (hg19) VCF-style: chr16-53686446-CCAAT-C.
Other names: c.2149_2152del, p.Ile717fs (NM_001127897.4, NM_001308334.3, NM_001330538.2); short protein forms I717fs.
Identifiers: ClinVar variation 1071183 (VCV001071183.8), dbSNP rs763685772, ClinGen allele CA8057631.
Genomic context (GRCh38, chr16:53,652,534, plus strand): 5'-CATAACGATATATAAACCAAATTAGTAATTCAAACACCCAAGGCTTATACATTGTACTTA[CCAAT>C]CAAACTTGCTGTACAAAATATTCGGCCGCTTTTTTCAAGAATTTCGTGAAATTTTAATTG-3'

ClinVar aggregate classification (germline): Pathogenic/Likely pathogenic. Review status: criteria provided, multiple submitters, no conflicts (2 of 4 stars). 2 submissions from 2 submitters: Pathogenic (1); Likely pathogenic (1). Last evaluated 2024-05-29.

Conditions:
Joubert syndrome 7 (JBTS7). Identifiers: Orphanet 220497, MedGen C1969053, MONDO:0012694, OMIM 611560.
Meckel syndrome, type 5 (MKS5). Identifiers: Orphanet 564, MedGen C1969052, MONDO:0012695, OMIM 611561.
COACH syndrome 3. Identifiers: MedGen C5436841, MONDO:0030862, OMIM 619113.
Joubert syndrome. Also called: Familial aplasia of the vermis; CEREBELLOPARENCHYMAL DISORDER IV; JOUBERT-BOLTSHAUSER SYNDROME. Identifiers: Orphanet 475, MedGen C5979921, MONDO:0018772.
Meckel-Gruber syndrome. Also called: Dysencephalia splachnocystica; DYSENCEPHALIA SPLANCHNOCYSTICA; GRUBER SYNDROME. Identifiers: Orphanet 564, MedGen C0265215, MONDO:0018921.

Submissions (2):

Fulgent Genetics
Classification: Likely pathogenic for Joubert syndrome 7; Meckel syndrome, type 5; COACH syndrome 3. Last evaluated: 2024-05-29. Review status: criteria provided, single submitter. Criteria: ACMG Guidelines, 2015. Collection method: clinical testing. Allele origin: germline.

Labcorp Genetics (formerly Invitae), Labcorp
Classification: Pathogenic for Joubert syndrome; Meckel-Gruber syndrome. Last evaluated: 2023-10-22. Review status: criteria provided, single submitter. Criteria: Invitae Variant Classification Sherloc (09022015). Collection method: clinical testing. Allele origin: germline.
Comment: This sequence change creates a premature translational stop signal (p.Ile717Glufs*18) in the RPGRIP1L gene. It is expected to result in an absent or disrupted protein product. Loss-of-function variants in RPGRIP1L are known to be pathogenic (PMID: 17558409). This variant is present in population databases (rs763685772, gnomAD 0.0009%). This variant has not been reported in the literature in individuals affected with RPGRIP1L-related conditions. ClinVar contains an entry for this variant (Variation ID: 1071183). Algorithms developed to predict the effect of sequence changes on RNA splicing suggest that this variant may disrupt the consensus splice site. For these reasons, this variant has been classified as Pathogenic.

Literature cited by the submitters: PubMed 17558409 (cited by Labcorp Genetics (formerly Invitae), Labcorp).